The following is an entry in ClinVar:

NM_024753.5(TTC21B):c.1A>G (p.Met1Val)

Gene: TTC21B (tetratricopeptide repeat domain 21B; minus strand). Cytogenetic location: 2q24.3.
Variant type: single nucleotide variant.
Coding change: c.1A>G on transcript NM_024753.5 (MANE Select); coding-DNA position 1, A replaced by G.
Protein change: p.Met1Val; changes the start codon (methionine 1).
Molecular consequence: missense variant, initiator codon variant.
Genome position (GRCh38, 1-based): chr2:165,953,705, T>C on the plus strand (A>G on the coding strand, the complement: TTC21B is on the minus strand). VCF-style: chr2-165953705-T-C. GRCh37 (hg19) VCF-style: chr2-166810215-T-C.
Other names: short protein forms M1V.
Identifiers: ClinVar variation 946398 (VCV000946398.12), dbSNP rs1435376086, ClinGen allele CA349057233.

ClinVar aggregate classification (germline): Conflicting classifications of pathogenicity. Review status: criteria provided, conflicting classifications (1 of 4 stars). 2 submissions from 2 submitters: Pathogenic (1); Uncertain significance (1). Last evaluated 2023-12-01.

Conditions:
Nephronophthisis 12 (NPHP12). Identifiers: Orphanet 655, MedGen C3151186, MONDO:0013442, OMIM 613820.
Jeune thoracic dystrophy. Also called: Short-rib thoracic dysplasia; Jeune syndrome; Infantile thoracic dystrophy; Thoracic pelvic phalangeal dystrophy; Jeune's syndrome; Chondroectodermal dysplasia-like syndrome. Identifiers: Orphanet 474, MedGen C0265275, MONDO:0018770.
Nephronophthisis. Also called: Juvenile Nephronophthisis. Identifiers: Orphanet 655, MedGen C0687120, MONDO:0019005, HP:0000090.

Allele frequency attached by ClinVar (database versions not stated): TOPMed below 0.00001; gnomAD exomes 0.00001.

Submissions (2):

Precision Medicine Center, Zhengzhou University
Classification: Pathogenic for Nephronophthisis 12. Last evaluated: 2023-12-01. Review status: criteria provided, single submitter. Criteria: ACMG Guidelines, 2015. Collection method: clinical testing. Allele origin: paternal.
Comment: PM2_p,PM3,PP3

Labcorp Genetics (formerly Invitae), Labcorp
Classification: Uncertain significance for Jeune thoracic dystrophy; Nephronophthisis. Last evaluated: 2019-06-04. Review status: criteria provided, single submitter. Criteria: Invitae Variant Classification Sherloc (09022015). Collection method: clinical testing. Allele origin: germline.
Comment: This variant has not been reported in the literature in individuals with TTC21B-related conditions. This sequence change affects the initiator methionine of the TTC21B mRNA. The next in-frame methionine is located at codon 49. This variant is not present in population databases (ExAC no frequency). In summary, the available evidence is currently insufficient to determine the role of this variant in disease. Therefore, it has been classified as a Variant of Uncertain Significance.

Literature cited by the submitters: PubMed 28124483 (cited by Precision Medicine Center, Zhengzhou University).